The following is an entry in ClinVar:

ClinVar aggregate classification (germline): Likely pathogenic (1 of 4 stars; one submission).

Conditions:
NFIA-Related Disorder. Also called: NFIA-related condition; NFIA-related disorders. Identifiers: MedGen CN381099.

Submission:

PreventionGenetics, part of Exact Sciences
Classification: Likely pathogenic for NFIA-related condition. Last evaluated: 2025-01-03. Review status: criteria provided, single submitter. Criteria: ACMG Guidelines, 2015. Collection method: clinical testing. Allele origin: germline.
Comment: The NFIA c.1255-1G>A variant is predicted to disrupt the AG splice acceptor site and interfere with normal splicing. To our knowledge, this variant has not been reported in the literature, however a similar two-basepair apparently de novo alteration at this location has been described in an individual with chiari malformation, dysmorphic features, and seizires (Tomai et al. 2024. PubMed ID: 38347602). This variant is reported in 0.010% of alleles in individuals of African descent in gnomAD. Splicing prediction programs (SpliceAI, Jaganathan et al. 2019. PubMed ID: 30661751) suggest that this variant will disrupt the AG splice acceptor site and potentially create a new acceptor site 15 bases downstream, resulting in an in-frame deletion. However, the use of computer prediction programs is not equivalent to functional evidence. This variant is interpreted as likely pathogenic.

NM_001134673.4(NFIA):c.1255-1G>A

Gene: NFIA (nuclear factor I A; plus strand). Cytogenetic location: 1p31.3.
Variant type: single nucleotide variant.
Coding change: c.1255-1G>A on transcript NM_001134673.4 (MANE Select); the canonical splice acceptor site of the intron before coding-DNA position 1255, G replaced by A.
Molecular consequence: splice acceptor variant.
Genome position (GRCh38, 1-based): chr1:61,406,561, G>A. VCF-style: chr1-61406561-G-A. GRCh37 (hg19) VCF-style: chr1-61872233-G-A.
Other names: c.1231-1G>A (NM_001145511.2); c.1390-1G>A (NM_001145512.2); c.1255-1G>A (NM_005595.5).
Identifiers: ClinVar variation 4982645 (VCV004982645.1).